The following is an entry in ClinVar:

NM_014141.6(CNTNAP2):c.377C>T (p.Pro126Leu)

Gene: CNTNAP2 (contactin associated protein 2; plus strand). Cytogenetic location: 7q35.
Variant type: single nucleotide variant.
Coding change: c.377C>T on transcript NM_014141.6 (MANE Select); coding-DNA position 377, C replaced by T.
Protein change: p.Pro126Leu; replaces proline 126 with leucine.
Molecular consequence: missense variant.
Genome position (GRCh38, 1-based): chr7:146,839,879, C>T. VCF-style: chr7-146839879-C-T. GRCh37 (hg19) VCF-style: chr7-146536971-C-T.
Other names: short protein forms P126L.
Identifiers: ClinVar variation 5008518 (VCV005008518.1).

ClinVar aggregate classification (germline): Uncertain significance (1 of 4 stars; one submission).

Submission:

GeneDx
Classification: Uncertain significance. Last evaluated: 2026-03-04. Review status: criteria provided, single submitter. Criteria: GeneDx Variant Classification Process June 2021. Collection method: clinical testing. Allele origin: germline.
Comment: Not observed at significant frequency in large population cohorts (gnomAD); In silico analysis supports that this missense variant has a deleterious effect on protein structure/function; Has not been previously published as pathogenic or benign to our knowledge